The following is an entry in ClinVar:

ClinVar aggregate classification (germline): Pathogenic. Review status: criteria provided, multiple submitters, no conflicts (2 of 4 stars). 3 submissions from 3 submitters: Pathogenic (3). Last evaluated 2025-02-07.

Conditions:
Hereditary cancer-predisposing syndrome. Also called: Neoplastic Syndromes, Hereditary; Tumor predisposition; Hereditary Cancer Syndrome; Hereditary neoplastic syndrome. Identifiers: Orphanet 140162, MedGen C0027672, MeSH D009386, MONDO:0015356.

Submissions (3):

Ambry Genetics
Classification: Pathogenic for Hereditary cancer-predisposing syndrome. Last evaluated: 2025-02-07. Review status: criteria provided, single submitter. Criteria: Ambry Variant Classification Scheme 2023. Collection method: clinical testing. Allele origin: germline.
Comment: The p.S3133* pathogenic mutation (also known as c.9398C>G), located in coding exon 24 of the BRCA2 gene, results from a C to G substitution at nucleotide position 9398. This changes the amino acid from a serine to a stop codon within coding exon 24. This variant was identified in an individual diagnosed with breast cancer (De Talhouet S et al. Sci Rep, 2020 Apr;10:7073). This variant is considered to be rare based on population cohorts in the Genome Aggregation Database (gnomAD). This alteration is expected to result in loss of function by premature protein truncation or nonsense-mediated mRNA decay. As such, this alteration is interpreted as a disease-causing mutation.

GeneDx
Classification: Pathogenic. Last evaluated: 2024-06-11. Review status: criteria provided, single submitter. Criteria: GeneDx Variant Classification Process June 2021. Collection method: clinical testing. Allele origin: germline. Affected: yes.
Comment: Nonsense variant predicted to result in protein truncation or nonsense mediated decay in a gene for which loss of function is a known mechanism of disease; Observed in an individual with breast cancer (PMID: 32341426); Truncating variants in this gene are considered pathogenic by a well-established clinical consortium and/or database; Not observed at significant frequency in large population cohorts (gnomAD); Also known as 9626C>G; This variant is associated with the following publications: (PMID: 30635808, 34761457, 32341426)

Color Diagnostics, LLC DBA Color Health
Classification: Pathogenic for Hereditary cancer-predisposing syndrome. Last evaluated: 2023-03-16. Review status: criteria provided, single submitter. Criteria: ACMG Guidelines, 2015. Collection method: clinical testing. Allele origin: germline.
Comment: This variant changes 1 nucleotide in exon 25 of the BRCA2 gene, creating a premature translation stop signal. This variant is expected to result in an absent or non-functional protein product. This variant has been reported in at least one individual affected with breast cancer (PMID: 32341426). This variant has not been identified in the general population by the Genome Aggregation Database (gnomAD). Loss of BRCA2 function is a known mechanism of disease. Based on the available evidence, this variant is classified as Pathogenic.

Literature cited by the submitters: PubMed 32341426 (cited by Ambry Genetics and Color Diagnostics, LLC DBA Color Health).

NM_000059.4(BRCA2):c.9398C>G (p.Ser3133Ter)

Gene: BRCA2 (BRCA2 DNA repair associated; plus strand). Cytogenetic location: 13q13.1.
Variant type: single nucleotide variant.
Coding change: c.9398C>G on transcript NM_000059.4 (MANE Select); coding-DNA position 9398, C replaced by G.
Protein change: p.Ser3133Ter; replaces serine 3133 with a stop codon.
Molecular consequence: nonsense.
Genome position (GRCh38, 1-based): chr13:32,394,830, C>G. VCF-style: chr13-32394830-C-G. GRCh37 (hg19) VCF-style: chr13-32968967-C-G.
Other names: c.9398C>G (NM_000059.3); short protein forms S3133*.
Identifiers: ClinVar variation 2774966 (VCV002774966.4), dbSNP rs876659439, ClinGen allele CA387761356.